The following is an entry in ClinVar:

NM_001114753.3(ENG):c.121G>T (p.Glu41Ter)

Gene: ENG (endoglin; minus strand). Cytogenetic location: 9q34.11.
Variant type: single nucleotide variant.
Coding change: c.121G>T on transcript NM_001114753.3 (MANE Select); coding-DNA position 121, G replaced by T.
Protein change: p.Glu41Ter; replaces glutamic acid 41 with a stop codon.
Molecular consequence: nonsense. On other transcripts: 5 prime UTR variant (1).
Genome position (GRCh38, 1-based): chr9:127,843,192, C>A on the plus strand (G>T on the coding strand, the complement: ENG is on the minus strand). VCF-style: chr9-127843192-C-A. GRCh37 (hg19) VCF-style: chr9-130605471-C-A.
Other names: c.121G>T, p.Glu41Ter (NM_000118.4, NM_001406715.1); c.-426G>T (NM_001278138.2); short protein forms E41*.
Identifiers: ClinVar variation 1752821 (VCV001752821.2), dbSNP rs199675436, ClinGen allele CA374989108.

ClinVar aggregate classification (germline): Pathogenic (1 of 4 stars; one submission).

Conditions:
Cardiovascular phenotype. Identifiers: MedGen CN230736.

Submission:

Ambry Genetics
Classification: Pathogenic for Cardiovascular phenotype. Last evaluated: 2021-06-29. Review status: criteria provided, single submitter. Criteria: Ambry Variant Classification Scheme 2023. Collection method: clinical testing. Allele origin: germline.
Comment: The p.E41* pathogenic mutation (also known as c.121G>T), located in coding exon 2 of the ENG gene, results from a G to T substitution at nucleotide position 121. This changes the amino acid from a glutamic acid to a stop codon within coding exon 2. This variant was reported in three affected individuals from a family with hereditary hemorrhagic telangiectasia (HHT) (Cymerman U et al. Hum Mutat, 2003 May;21:482-92). In addition to the clinical data presented in the literature, this alteration is expected to result in loss of function by premature protein truncation or nonsense-mediated mRNA decay. As such, this alteration is interpreted as a disease-causing mutation.

Literature cited by the submitters: PubMed 12673790; PubMed 23801935.